The following is an entry in ClinVar:

ClinVar aggregate classification (germline): Likely benign. Review status: criteria provided, multiple submitters, no conflicts (2 of 4 stars). 3 submissions from 3 submitters: Likely benign (3). Last evaluated 2025-10-21.

Conditions:
Wiskott-Aldrich syndrome 2 (WAS2). Also called: WIPF1 DEFICIENCY. Identifiers: Orphanet 906, MedGen C3281001, MONDO:0013779, OMIM 614493.

Allele frequency attached by ClinVar (database versions not stated): ESP Exome Variant Server 0.00008; 1000 Genomes Project 30x 0.00016; ExAC 0.00016; gnomAD 0.00017; 1000 Genomes Project 0.00020; TOPMed 0.00020; gnomAD exomes 0.00021.
gnomAD v4.1: 222 of 1,614,124 alleles (0.014%); highest among the groups gnomAD compares: Middle Eastern, 0.016%; no homozygotes.

Submissions (3):

Labcorp Genetics (formerly Invitae), Labcorp
Classification: Likely benign for Wiskott-Aldrich syndrome 2. Last evaluated: 2025-10-21. Review status: criteria provided, single submitter. Criteria: Invitae Variant Classification Sherloc (09022015). Collection method: clinical testing. Allele origin: germline.

Blueprint Genetics
Classification: Likely benign. Last evaluated: 2024-11-14. Review status: criteria provided, single submitter. Criteria: ACMG Guidelines, 2015. Collection method: clinical testing. Allele origin: germline.

CeGaT Center for Human Genetics Tuebingen
Classification: Likely benign. Last evaluated: 2022-05-01. Review status: criteria provided, single submitter. Criteria: CeGaT Center For Human Genetics Tuebingen Variant Classification Criteria Version 2. Collection method: clinical testing. Allele origin: germline. Affected: yes. Observed: 1 variant allele.
Comment: WIPF1: BP4, BP7

NM_001375834.1(WIPF1):c.1116G>A (p.Pro372=)

Gene: WIPF1 (WAS/WASL interacting protein family member 1; minus strand). Cytogenetic location: 2q31.1.
Variant type: single nucleotide variant.
Coding change: c.1116G>A on transcript NM_001375834.1 (MANE Select); coding-DNA position 1116, G replaced by A.
Protein change: p.Pro372=; no amino-acid change (proline 372 retained).
Molecular consequence: synonymous variant.
Genome position (GRCh38, 1-based): chr2:174,571,689, C>T on the plus strand (G>A on the coding strand, the complement: WIPF1 is on the minus strand). VCF-style: chr2-174571689-C-T. GRCh37 (hg19) VCF-style: chr2-175436417-C-T.
Other names: c.1116G>A, p.Pro372= (NM_001077269.1, NM_001375832.1, NM_001375833.1 and 5 more transcripts); c.738G>A, p.Pro246= (NM_001375839.1).
Identifiers: ClinVar variation 758055 (VCV000758055.36), dbSNP rs138920689, ClinGen allele CA1973994.